The following is an entry in ClinVar:

NM_004655.4(AXIN2):c.1200+7C>T

Gene: AXIN2 (axin 2; minus strand). Cytogenetic location: 17q24.1.
Variant type: single nucleotide variant.
Coding change: c.1200+7C>T on transcript NM_004655.4 (MANE Select); 7 bases into the intron after coding-DNA position 1200, C replaced by T.
Molecular consequence: intron variant.
Genome position (GRCh38, 1-based): chr17:65,538,196, G>A on the plus strand (C>T on the coding strand, the complement: AXIN2 is on the minus strand). VCF-style: chr17-65538196-G-A. GRCh37 (hg19) VCF-style: chr17-63534314-G-A.
Other names: c.1200+7C>T (NM_001363813.1, LRG_296t1).
Identifiers: ClinVar variation 533256 (VCV000533256.12), dbSNP rs747959907, ClinGen allele CA8718833.
Genomic context (GRCh38, chr17:65,538,196, plus strand): 5'-CATGCGCATACACATACGAGCGCTCACGCCGTGGACGGAAGCAGGAAGAAGGCCTAGGCC[G>A]CATTACCTCTCGGATCTGCTGCAGGCGCTCCTCCAGGCTGTGGCGGCTCTCCAACTCCAG-3'

ClinVar aggregate classification (germline): Likely benign. Review status: criteria provided, multiple submitters, no conflicts (2 of 4 stars). 2 submissions from 2 submitters: Likely benign (2). Last evaluated 2025-10-01.

Conditions:
Oligodontia-cancer predisposition syndrome. Also called: TOOTH AGENESIS-COLORECTAL CANCER SYNDROME. Identifiers: Orphanet 300576, MedGen C1837750, MONDO:0012075, OMIM 608615. Disease mechanism: loss of function.

Allele frequency attached by ClinVar (database versions not stated): gnomAD exomes 0.00001 and 0.00002; ExAC 0.00002; gnomAD 0.00003 and 0.00004; TOPMed 0.00003.
gnomAD v4.1: 18 of 1,613,996 alleles (0.0011%); highest among the groups gnomAD compares: African/African-American, 0.0067%; no homozygotes.

Submissions (2):

Labcorp Genetics (formerly Invitae), Labcorp
Classification: Likely benign for Oligodontia-cancer predisposition syndrome. Last evaluated: 2025-10-01. Review status: criteria provided, single submitter. Criteria: Invitae Variant Classification Sherloc (09022015). Collection method: clinical testing. Allele origin: germline.

Myriad Genetics, Inc.
Classification: Likely benign for Oligodontia-cancer predisposition syndrome. Last evaluated: 2024-07-01. Review status: criteria provided, single submitter. Criteria: Myriad Autosomal Dominant, Autosomal Recessive and X-Linked Classification Criteria (2023). Collection method: clinical testing. Allele origin: unknown.
Comment: This variant is considered likely benign. This variant is intronic and is not expected to impact mRNA splicing.